The following is an entry in ClinVar:

ClinVar aggregate classification (germline): Likely benign (1 of 4 stars; one submission).

Submission:

CeGaT Center for Human Genetics Tuebingen
Classification: Likely benign. Last evaluated: 2025-11-01. Review status: criteria provided, single submitter. Criteria: CeGaT Center For Human Genetics Tuebingen Variant Classification Criteria Version 2. Collection method: clinical testing. Allele origin: germline. Affected: yes. Observed: 1 variant allele.
Comment: TERB1: PM2:Supporting, BP4, BP7

NM_001136505.2(TERB1):c.1053G>T (p.Ser351=)

Gene: TERB1 (telomere repeat binding bouquet formation protein 1; minus strand). Cytogenetic location: 16q22.1.
Variant type: single nucleotide variant.
Coding change: c.1053G>T on transcript NM_001136505.2 (MANE Select); coding-DNA position 1053, G replaced by T.
Protein change: p.Ser351=; no amino-acid change (serine 351 retained).
Molecular consequence: synonymous variant.
Genome position (GRCh38, 1-based): chr16:66,775,176, C>A on the plus strand (G>T on the coding strand, the complement: TERB1 is on the minus strand). VCF-style: chr16-66775176-C-A. GRCh37 (hg19) VCF-style: chr16-66809079-C-A.
Identifiers: ClinVar variation 4681792 (VCV004681792.5).
Genomic context (GRCh38, chr16:66,775,176, plus strand): 5'-ACTAATTTTTTTGCAGTTGTGAAGCACAAATGTGGCAGCTTTGTTCAGTTCCTCATTCTG[C>A]GATTCAGTTAAGGCTTGAATCATGAGTGGAAGCCCATTGTTTTTAAAAAGGTCATACTGA-3'
Protein context (NP_001129977.1, residues 341-361): LPLMIQALTE[Ser351=]QNEELNKAAT